The following is an entry in ClinVar:

NM_001128225.3(SLC39A13):c.-32G>T

Genes: SLC39A13 (solute carrier family 39 member 13; plus strand), SLC39A13-AS1 (SLC39A13 antisense RNA 1; minus strand). Cytogenetic location: 11p11.2.
Variant type: single nucleotide variant.
Coding change: c.-32G>T on transcript NM_001128225.3 (MANE Select); 32 bases upstream of the start codon, G replaced by T.
Molecular consequence: 5 prime UTR variant.
Genome position (GRCh38, 1-based): chr11:47,408,639, G>T. VCF-style: chr11-47408639-G-T. GRCh37 (hg19) VCF-style: chr11-47430190-G-T.
Other names: c.-32G>T (NM_001330245.2); c.-53G>T (NM_152264.5).
Identifiers: ClinVar variation 390363 (VCV000390363.1), dbSNP rs552060646, ClinGen allele CA16605942.

ClinVar aggregate classification (germline): Likely benign (1 of 4 stars; one submission).

Allele frequency attached by ClinVar (database versions not stated): 1000 Genomes Project 30x 0.00671; 1000 Genomes Project 0.00739; TOPMed 0.00862.

Submission:

GeneDx
Classification: Likely benign. Last evaluated: 2018-03-09. Review status: criteria provided, single submitter. Criteria: GeneDx Variant Classification (06012015). Collection method: clinical testing. Allele origin: germline. Affected: yes.
Comment: This variant is considered likely benign or benign based on one or more of the following criteria: it is a conservative change, it occurs at a poorly conserved position in the protein, it is predicted to be benign by multiple in silico algorithms, and/or has population frequency not consistent with disease.